The following is an entry in ClinVar:

NM_014049.5(ACAD9):c.4A>G (p.Ser2Gly)

Gene: ACAD9 (acyl-CoA dehydrogenase family member 9; plus strand). Cytogenetic location: 3q21.3.
Variant type: single nucleotide variant.
Coding change: c.4A>G on transcript NM_014049.5 (MANE Select); coding-DNA position 4, A replaced by G.
Protein change: p.Ser2Gly; replaces serine 2 with glycine.
Molecular consequence: missense variant. On other transcripts: non-coding transcript variant (1).
Genome position (GRCh38, 1-based): chr3:128,879,695, A>G. VCF-style: chr3-128879695-A-G. GRCh37 (hg19) VCF-style: chr3-128598538-A-G.
Other names: c.-272A>G (NM_001410805.1); short protein forms S2G.
Identifiers: ClinVar variation 1981809 (VCV001981809.4), dbSNP rs2529221146, ClinGen allele CA354429489.

ClinVar aggregate classification (germline): Uncertain significance (1 of 4 stars; one submission).

Allele frequency attached by ClinVar (database versions not stated): gnomAD exomes below 0.00001.
gnomAD v4.1: 1 of 1,612,394 alleles (0.000062%); highest among the groups gnomAD compares: Admixed American, 0.0017%; no homozygotes.

Submission:

Labcorp Genetics (formerly Invitae), Labcorp
Classification: Uncertain significance. Last evaluated: 2022-06-13. Review status: criteria provided, single submitter. Criteria: Invitae Variant Classification Sherloc (09022015). Collection method: clinical testing. Allele origin: germline.
Comment: In summary, the available evidence is currently insufficient to determine the role of this variant in disease. Therefore, it has been classified as a Variant of Uncertain Significance. Advanced modeling of protein sequence and biophysical properties (such as structural, functional, and spatial information, amino acid conservation, physicochemical variation, residue mobility, and thermodynamic stability) performed at Invitae indicates that this missense variant is not expected to disrupt ACAD9 protein function. This variant has not been reported in the literature in individuals affected with ACAD9-related conditions. This variant is not present in population databases (gnomAD no frequency). This sequence change replaces serine, which is neutral and polar, with glycine, which is neutral and non-polar, at codon 2 of the ACAD9 protein (p.Ser2Gly).